The following is an entry in ClinVar:

NM_020832.3(ZNF687):c.3647A>G (p.Lys1216Arg)

Gene: ZNF687 (zinc finger protein 687; plus strand). Cytogenetic location: 1q21.3.
Variant type: single nucleotide variant.
Coding change: c.3647A>G on transcript NM_020832.3 (MANE Select); coding-DNA position 3647, A replaced by G.
Protein change: p.Lys1216Arg; replaces lysine 1216 with arginine.
Molecular consequence: missense variant.
Genome position (GRCh38, 1-based): chr1:151,291,142, A>G. VCF-style: chr1-151291142-A-G. GRCh37 (hg19) VCF-style: chr1-151263618-A-G.
Other names: c.3647A>G, p.Lys1216Arg (NM_001304763.2, NM_001304764.2); short protein forms K1216R.
Identifiers: ClinVar variation 3649775 (VCV003649775.2).
Genomic context (GRCh38, chr1:151,291,142, plus strand): 5'-CTGGAGGCCCACTGACCTGTAAGGTCTGTGGCAAGAGCTGCGACAGCCCTCTAAACCTCA[A>G]GACCCACTTCCGCACGCATGGCATGGCGTTCATCAGGGCTCGGCAGGGGGCTGTTGGGGA-3'
Protein context (NP_065883.1, residues 1206-1226): GKSCDSPLNL[Lys1216Arg]THFRTHGMAF

ClinVar aggregate classification (germline): Uncertain significance (1 of 4 stars; one submission).

Submission:

Labcorp Genetics (formerly Invitae), Labcorp
Classification: Uncertain significance. Last evaluated: 2024-04-20. Review status: criteria provided, single submitter. Criteria: Invitae Variant Classification Sherloc (09022015). Collection method: clinical testing. Allele origin: germline.
Comment: This sequence change replaces lysine, which is basic and polar, with arginine, which is basic and polar, at codon 1216 of the ZNF687 protein (p.Lys1216Arg). This variant is not present in population databases (gnomAD no frequency). This variant has not been reported in the literature in individuals affected with ZNF687-related conditions. An algorithm developed to predict the effect of missense changes on protein structure and function (PolyPhen-2) suggests that this variant is likely to be disruptive. In summary, the available evidence is currently insufficient to determine the role of this variant in disease. Therefore, it has been classified as a Variant of Uncertain Significance.